The following is an entry in ClinVar:

ClinVar aggregate classification (germline): Uncertain significance (1 of 4 stars; one submission).

Submission:

Labcorp Genetics (formerly Invitae), Labcorp
Classification: Uncertain significance. Last evaluated: 2024-02-13. Review status: criteria provided, single submitter. Criteria: Invitae Variant Classification Sherloc (09022015). Collection method: clinical testing. Allele origin: germline.
Comment: This variant, c.1593_1594delinsAG, is a complex sequence change that results in the deletion of 2 and insertion of 2 amino acid(s) in the AUTS2 protein (p.His531_Gln532delinsGlnGlu). Information on the frequency of this variant in the gnomAD database is not available, as this variant may be reported differently in the database. This variant has not been reported in the literature in individuals affected with AUTS2-related conditions. Experimental studies and prediction algorithms are not available or were not evaluated, and the functional significance of this variant is currently unknown. In summary, the available evidence is currently insufficient to determine the role of this variant in disease. Therefore, it has been classified as a Variant of Uncertain Significance.

NM_015570.4(AUTS2):c.1593_1594delinsAG (p.His531_Gln532delinsGlnGlu)

Gene: AUTS2 (activator of transcription and developmental regulator AUTS2; plus strand). Cytogenetic location: 7q11.22.
Variant type: Indel.
Coding change: c.1593_1594delinsAG on transcript NM_015570.4 (MANE Select); coding-DNA positions 1593 to 1594, CC replaced by AG.
Protein change: p.His531_Gln532delinsGlnGlu.
Molecular consequence: missense variant.
Genome position (GRCh38, 1-based): chr7:70,766,238-70,766,239, CC replaced by AG. VCF-style: chr7-70766238-CC-AG. GRCh37 (hg19) VCF-style: chr7-70231224-CC-AG.
Other names: c.1593_1594delinsAG, p.His531_Gln532delinsGlnGlu (NM_001127231.3).
Identifiers: ClinVar variation 3638582 (VCV003638582.2).